The following is an entry in ClinVar:

ClinVar aggregate classification (germline): Uncertain significance (1 of 4 stars; one submission).

Conditions:
Hereditary cancer-predisposing syndrome. Also called: Tumor predisposition; Neoplastic Syndromes, Hereditary; Hereditary neoplastic syndrome; Hereditary Cancer Syndrome. Identifiers: Orphanet 140162, MedGen C0027672, MeSH D009386, MONDO:0015356.

Submission:

Ambry Genetics
Classification: Uncertain significance for Hereditary cancer-predisposing syndrome. Last evaluated: 2024-10-18. Review status: criteria provided, single submitter. Criteria: Ambry Variant Classification Scheme 2023. Collection method: clinical testing. Allele origin: germline.
Comment: The p.V343M variant (also known as c.1027G>A), located in coding exon 5 of the SMARCA4 gene, results from a G to A substitution at nucleotide position 1027. The valine at codon 343 is replaced by methionine, an amino acid with highly similar properties. This amino acid position is conserved. In addition, this alteration is predicted to be tolerated by in silico analysis. Based on the available evidence, the clinical significance of this variant remains unclear.

NM_003072.5(SMARCA4):c.1027G>A (p.Val343Met)

Gene: SMARCA4 (SWI/SNF related BAF chromatin remodeling complex subunit ATPase 4; plus strand). Cytogenetic location: 19p13.2.
Variant type: single nucleotide variant.
Coding change: c.1027G>A on transcript NM_003072.5 (MANE Select); coding-DNA position 1027, G replaced by A.
Protein change: p.Val343Met; replaces valine 343 with methionine.
Molecular consequence: missense variant. On other transcripts: non-coding transcript variant (1).
Genome position (GRCh38, 1-based): chr19:10,987,833, G>A. VCF-style: chr19-10987833-G-A. GRCh37 (hg19) VCF-style: chr19-11098509-G-A.
Other names: c.1027G>A, p.Val343Met (NM_001128844.3, NM_001128845.2, NM_001128846.2 and 6 more transcripts); short protein forms V343M.
Identifiers: ClinVar variation 3446017 (VCV003446017.1).